The following is an entry in ClinVar:

TRIP11, ASN701SERfsTER13

Gene: TRIP11 (thyroid hormone receptor interactor 11; minus strand).
Variant type: Variation.
Identifiers: ClinVar variation 3236470 (VCV003236470.1).

ClinVar aggregate classification (germline): Pathogenic (0 of 4 stars; one submission).

Conditions:
Achondrogenesis, type IA (ACG1A). Identifiers: Orphanet 932, Orphanet 93299, MedGen C0265273, MONDO:0008701, OMIM 200600.

Submission:

OMIM
Classification: Pathogenic for ACHONDROGENESIS, TYPE IA. Last evaluated: 2010-01-21. Review status: no assertion criteria provided. Collection method: literature only. Allele origin: germline.

Literature cited by the submitters: PubMed 20089971.